The following is an entry in ClinVar:

ClinVar aggregate classification (germline): Uncertain significance. Review status: criteria provided, multiple submitters, no conflicts (2 of 4 stars). 2 submissions from 2 submitters: Uncertain significance (2). Last evaluated 2024-10-29.

Conditions:
Bardet-Biedl syndrome 17 (BBS17). Identifiers: Orphanet 110, MedGen C3714980, MONDO:0014445, OMIM 615994.

Allele frequency attached by ClinVar (database versions not stated): gnomAD 0.00002 and 0.00003; TOPMed 0.00002.
gnomAD v4.1: 10 of 1,613,858 alleles (0.00062%); highest among the groups gnomAD compares: Admixed American, 0.0017%; 1 homozygote.

Submissions (2):

Labcorp Genetics (formerly Invitae), Labcorp
Classification: Uncertain significance. Last evaluated: 2024-10-29. Review status: criteria provided, single submitter. Criteria: Invitae Variant Classification Sherloc (09022015). Collection method: clinical testing. Allele origin: germline.
Comment: This sequence change replaces tyrosine, which is neutral and polar, with cysteine, which is neutral and slightly polar, at codon 271 of the LZTFL1 protein (p.Tyr271Cys). This variant is present in population databases (no rsID available, gnomAD no frequency). This variant has not been reported in the literature in individuals affected with LZTFL1-related conditions. ClinVar contains an entry for this variant (Variation ID: 1026239). Invitae Evidence Modeling of protein sequence and biophysical properties (such as structural, functional, and spatial information, amino acid conservation, physicochemical variation, residue mobility, and thermodynamic stability) indicates that this missense variant is not expected to disrupt LZTFL1 protein function with a negative predictive value of 80%. In summary, the available evidence is currently insufficient to determine the role of this variant in disease. Therefore, it has been classified as a Variant of Uncertain Significance.

Fulgent Genetics
Classification: Uncertain significance for Bardet-Biedl syndrome 17. Last evaluated: 2022-01-18. Review status: criteria provided, single submitter. Criteria: ACMG Guidelines, 2015. Collection method: clinical testing. Allele origin: unknown.

NM_020347.4(LZTFL1):c.812A>G (p.Tyr271Cys)

Gene: LZTFL1 (leucine zipper transcription factor like 1; minus strand). Cytogenetic location: 3p21.31.
Variant type: single nucleotide variant.
Coding change: c.812A>G on transcript NM_020347.4 (MANE Select); coding-DNA position 812, A replaced by G.
Protein change: p.Tyr271Cys; replaces tyrosine 271 with cysteine.
Molecular consequence: missense variant. On other transcripts: non-coding transcript variant (1), intron variant (1).
Genome position (GRCh38, 1-based): chr3:45,827,425, T>C on the plus strand (A>G on the coding strand, the complement: LZTFL1 is on the minus strand). VCF-style: chr3-45827425-T-C. GRCh37 (hg19) VCF-style: chr3-45868917-T-C.
Other names: c.761A>G, p.Tyr254Cys (NM_001276378.2); c.765+1014A>G (NM_001276379.2); short protein forms Y254C, Y271C.
Identifiers: ClinVar variation 1026239 (VCV001026239.5), dbSNP rs1422916311, ClinGen allele CA352447317.